The following is an entry in ClinVar:

NM_000038.6(APC):c.2229del (p.Met743fs)

Gene: APC (APC regulator of Wnt signaling pathway; plus strand). Cytogenetic location: 5q22.2.
Variant type: Deletion.
Coding change: c.2229del on transcript NM_000038.6 (MANE Select); coding-DNA position 2229, one base deleted (G; older notation c.2229delG).
Protein change: p.Met743fs; shifts the reading frame from methionine 743.
Molecular consequence: frameshift variant.
Genome position (GRCh38, 1-based): chr5:112,837,823, G deleted. VCF-style (leftmost placement, unchanged base first): chr5-112837822-TG-T. GRCh37 (hg19) VCF-style: chr5-112173519-TG-T.
Other names: c.2229del, p.Met743fs (NM_001127510.3, NM_001354895.2); c.2175del, p.Met725fs (NM_001127511.3); c.2283del, p.Met761fs (NM_001354896.2); c.2259del, p.Met753fs (NM_001354897.2); c.2154del, p.Met718fs (NM_001354898.2); c.2145del, p.Met715fs (NM_001354899.2); c.2106del, p.Met702fs (NM_001354900.2); c.2052del, p.Met684fs (NM_001354901.2); and 5 more; short protein forms M702fs, M718fs, M725fs, M761fs, M460fs, M715fs, M753fs, M617fs.
Identifiers: ClinVar variation 644153 (VCV000644153.10), dbSNP rs1580619588, ClinGen allele CA915942614.

ClinVar aggregate classification (germline): Pathogenic (1 of 4 stars; one submission).

Conditions:
Familial adenomatous polyposis 1 (FAP1). Also called: FAMILIAL ADENOMATOUS POLYPOSIS 1, ATTENUATED; POLYPOSIS, ADENOMATOUS INTESTINAL. Identifiers: MedGen C2713442, MONDO:0021056, OMIM 175100. Disease mechanism: loss of function.

Submission:

Labcorp Genetics (formerly Invitae), Labcorp
Classification: Pathogenic for Familial adenomatous polyposis 1. Last evaluated: 2024-04-16. Review status: criteria provided, single submitter. Criteria: Invitae Variant Classification Sherloc (09022015). Collection method: clinical testing. Allele origin: germline.
Comment: This sequence change creates a premature translational stop signal (p.Met743Ilefs*18) in the APC gene. While this is not anticipated to result in nonsense mediated decay, it is expected to disrupt the last 2101 amino acid(s) of the APC protein. This variant is not present in population databases (gnomAD no frequency). This variant has not been reported in the literature in individuals affected with APC-related conditions. ClinVar contains an entry for this variant (Variation ID: 644153). This variant is expected to disrupt the EB1 and HDLG binding sites, which mediate interactions with the cytoskeleton (PMID: 15311282, 17293347). While functional studies have not been performed to directly test the effect on APC protein function, this suggests that disruption of the C-terminal portion of the protein is functionally important. A different truncation (p.Tyr2645Lysfs*14) that lies downstream of this variant has been determined to be pathogenic (PMID: 9824584, 1316610, 27081525, 8381579, 22135120, Invitae). This suggests that deletion of this region of the APC protein is causative of disease. For these reasons, this variant has been classified as Pathogenic.

Literature cited by the submitters: PubMed 15311282; PubMed 17293347; PubMed 9824584; PubMed 1316610; PubMed 27081525; PubMed 8381579; PubMed 22135120.